The following is an entry in ClinVar:

NM_001206927.2(DNAH8):c.9529C>T (p.Arg3177Cys)

Genes: DNAH8 (dynein axonemal heavy chain 8; plus strand), DNAH8-AS1 (DNAH8 antisense RNA 1; minus strand). Cytogenetic location: 6p21.2.
Variant type: single nucleotide variant.
Coding change: c.9529C>T on transcript NM_001206927.2 (MANE Select); coding-DNA position 9529, C replaced by T.
Protein change: p.Arg3177Cys; replaces arginine 3177 with cysteine.
Molecular consequence: missense variant.
Genome position (GRCh38, 1-based): chr6:38,909,533, C>T. VCF-style: chr6-38909533-C-T. GRCh37 (hg19) VCF-style: chr6-38877309-C-T.
Other names: c.8878C>T, p.Arg2960Cys (NM_001371.4); short protein forms R2960C, R3177C.
Identifiers: ClinVar variation 2078516 (VCV002078516.1), dbSNP rs768140806, ClinGen allele CA3790497.

ClinVar aggregate classification (germline): Uncertain significance (1 of 4 stars; one submission).

Conditions:
Primary ciliary dyskinesia. Also called: Ciliary dyskinesia. Identifiers: Orphanet 244, MedGen C0008780, MONDO:0016575, HP:0012265.

Allele frequency attached by ClinVar (database versions not stated): gnomAD exomes 0.00001; ExAC 0.00002; gnomAD 0.00002; TOPMed 0.00003.
gnomAD v4.1: 23 of 1,613,926 alleles (0.0014%); highest among the groups gnomAD compares: Admixed American, 0.01%; no homozygotes.

Submission:

Labcorp Genetics (formerly Invitae), Labcorp
Classification: Uncertain significance for Primary ciliary dyskinesia. Last evaluated: 2022-07-11. Review status: criteria provided, single submitter. Criteria: Invitae Variant Classification Sherloc (09022015). Collection method: clinical testing. Allele origin: germline.
Comment: This sequence change replaces arginine, which is basic and polar, with cysteine, which is neutral and slightly polar, at codon 3177 of the DNAH8 protein (p.Arg3177Cys). This variant is present in population databases (rs768140806, gnomAD 0.01%). This variant has not been reported in the literature in individuals affected with DNAH8-related conditions. Algorithms developed to predict the effect of missense changes on protein structure and function are either unavailable or do not agree on the potential impact of this missense change (SIFT: "Deleterious"; PolyPhen-2: "Not Available"; Align-GVGD: "Class C65"). In summary, the available evidence is currently insufficient to determine the role of this variant in disease. Therefore, it has been classified as a Variant of Uncertain Significance.